The following is an entry in ClinVar:

ClinVar aggregate classification (germline): Conflicting classifications of pathogenicity. Review status: criteria provided, conflicting classifications (1 of 4 stars). 4 submissions from 4 submitters: Uncertain significance (3); Likely benign (1). Last evaluated 2026-10-01.

Conditions:
Brugada syndrome. Also called: Sudden unexplained nocturnal death syndrome; Sudden Unexplained Death Syndrome; Sudden Unexplained Nocturnal Death Syndrome (SUNDS); Sudden unexpected nocturnal death syndrome. Identifiers: Orphanet 130, MedGen C1142166, MONDO:0015263.
Brugada syndrome 4 (BRGDA4). Identifiers: Orphanet 130, MedGen C2678477, MONDO:0012743, OMIM 611876.

Allele frequency attached by ClinVar (database versions not stated): gnomAD 0.00004 and 0.00007; ExAC 0.00002; gnomAD exomes 0.00005; TOPMed 0.00005.
gnomAD v4.1: 77 of 1,612,690 alleles (0.0048%); highest among the groups gnomAD compares: East Asian, 0.025%; no homozygotes.

Submissions (4):

GeneDx
Classification: Uncertain significance. Last evaluated: 2026-10-01. Review status: criteria provided, single submitter. Criteria: GeneDx Variant Classification Process June 2021. Collection method: clinical testing. Allele origin: germline.
Comment: Has not been previously published as pathogenic or benign to our knowledge; In silico analysis suggests that this missense variant does not alter protein structure/function; Variants in candidate genes are classified as variants of uncertain significance in accordance with ACMG guidelines (PMID: 25741868); Reported using an alternate transcript of the gene

Blueprint Genetics
Classification: Likely benign. Last evaluated: 2024-09-18. Review status: criteria provided, single submitter. Criteria: ACMG Guidelines, 2015. Collection method: clinical testing. Allele origin: germline.

Fulgent Genetics
Classification: Uncertain significance for Brugada syndrome 4. Last evaluated: 2021-08-24. Review status: criteria provided, single submitter. Criteria: ACMG Guidelines, 2015. Collection method: clinical testing. Allele origin: unknown.

CSER _CC_NCGL, University of Washington
Classification: Uncertain significance for Brugada syndrome. Last evaluated: 2016-10-01. Review status: criteria provided, single submitter. Criteria: Amendola et al. (Genome Res. 2015). Collection method: research. Allele origin: germline. Affected: no. Study: CSER - NEXT Medicine variant annotation.
Comment: This interpretation considers GERP score and allele frequency data, in addition to published reports of the variant in the literature, available at the time of review.

NM_201596.3(CACNB2):c.804+665G>A

Gene: CACNB2 (calcium voltage-gated channel auxiliary subunit beta 2; plus strand). Cytogenetic location: 10p12.31.
Variant type: single nucleotide variant.
Coding change: c.804+665G>A on transcript NM_201596.3 (MANE Select); 665 bases into the intron after coding-DNA position 804, G replaced by A.
Molecular consequence: intron variant. On other transcripts: missense variant (2).
Genome position (GRCh38, 1-based): chr10:18,515,034, G>A. VCF-style: chr10-18515034-G-A. GRCh37 (hg19) VCF-style: chr10-18803963-G-A.
Other names: p.R242Q:CGG>CAG; c.641G>A, p.Arg214Gln (NM_201572.4); c.725G>A, p.Arg242Gln (NM_201597.3); c.720+665G>A (NM_201571.4); c.606+504G>A (NM_001167945.2); c.690+504G>A (NM_201593.3); c.639+665G>A (NM_000724.4); c.525+504G>A (NM_001330060.2); and 2 more; short protein forms R242Q, R214Q.
Identifiers: ClinVar variation 190724 (VCV000190724.11), dbSNP rs373932682, ClinGen allele CA301840.